The following is an entry in ClinVar:

ClinVar aggregate classification (germline): Uncertain significance. Review status: criteria provided, multiple submitters, no conflicts (2 of 4 stars). 3 submissions from 3 submitters: Uncertain significance (3). Last evaluated 2024-10-30.

Conditions:
Hereditary cancer-predisposing syndrome. Also called: Neoplastic Syndromes, Hereditary; Tumor predisposition; Hereditary neoplastic syndrome; Hereditary Cancer Syndrome. Identifiers: Orphanet 140162, MedGen C0027672, MeSH D009386, MONDO:0015356.
BAP1-related tumor predisposition syndrome (TPDS1). Also called: COMMON Syndrome; Tumor susceptibility linked to germline BAP1 mutations; TUMOR PREDISPOSITION SYNDROME 1; BAP1 tumor predisposition syndrome. Identifiers: Orphanet 289539, MedGen C3280492, MONDO:0013692, OMIM 614327.

Allele frequency attached by ClinVar (database versions not stated): gnomAD exomes below 0.00001.

Submissions (3):

Labcorp Genetics (formerly Invitae), Labcorp
Classification: Uncertain significance for BAP1-related tumor predisposition syndrome. Last evaluated: 2024-10-30. Review status: criteria provided, single submitter. Criteria: Invitae Variant Classification Sherloc (09022015). Collection method: clinical testing. Allele origin: germline.
Comment: This sequence change replaces valine, which is neutral and non-polar, with methionine, which is neutral and non-polar, at codon 247 of the BAP1 protein (p.Val247Met). This variant is present in population databases (no rsID available, gnomAD 0.0009%). This variant has not been reported in the literature in individuals affected with BAP1-related conditions. ClinVar contains an entry for this variant (Variation ID: 1389786). Invitae Evidence Modeling of protein sequence and biophysical properties (such as structural, functional, and spatial information, amino acid conservation, physicochemical variation, residue mobility, and thermodynamic stability) indicates that this missense variant is not expected to disrupt BAP1 protein function with a negative predictive value of 80%. In summary, the available evidence is currently insufficient to determine the role of this variant in disease. Therefore, it has been classified as a Variant of Uncertain Significance.

Ambry Genetics
Classification: Uncertain significance for Hereditary cancer-predisposing syndrome. Last evaluated: 2023-08-01. Review status: criteria provided, single submitter. Criteria: Ambry Variant Classification Scheme 2023. Collection method: clinical testing. Allele origin: germline.
Comment: The p.V247M variant (also known as c.739G>A), located in coding exon 9 of the BAP1 gene, results from a G to A substitution at nucleotide position 739. The valine at codon 247 is replaced by methionine, an amino acid with highly similar properties. This amino acid position is conserved. In addition, this alteration is predicted to be tolerated by in silico analysis. Since supporting evidence is limited at this time, the clinical significance of this alteration remains unclear.

GeneDx
Classification: Uncertain significance. Last evaluated: 2022-03-09. Review status: criteria provided, single submitter. Criteria: GeneDx Variant Classification Process June 2021. Collection method: clinical testing. Allele origin: germline. Affected: yes.
Comment: Not observed at significant frequency in large population cohorts (gnomAD); In silico analysis supports that this missense variant does not alter protein structure/function; Has not been previously published as pathogenic or benign to our knowledge

NM_004656.4(BAP1):c.739G>A (p.Val247Met)

Gene: BAP1 (BRCA1 associated deubiquitinase 1; minus strand). Cytogenetic location: 3p21.1.
Variant type: single nucleotide variant.
Coding change: c.739G>A on transcript NM_004656.4 (MANE Select); coding-DNA position 739, G replaced by A.
Protein change: p.Val247Met; replaces valine 247 with methionine.
Molecular consequence: missense variant.
Genome position (GRCh38, 1-based): chr3:52,406,297, C>T on the plus strand (G>A on the coding strand, the complement: BAP1 is on the minus strand). VCF-style: chr3-52406297-C-T. GRCh37 (hg19) VCF-style: chr3-52440313-C-T.
Other names: c.739G>A (NM_004656.2); short protein forms V247M.
Identifiers: ClinVar variation 1389786 (VCV001389786.9), dbSNP rs1197753868, ClinGen allele CA353107197.